The following is an entry in ClinVar:

ClinVar aggregate classification (germline): Likely pathogenic. Review status: criteria provided, multiple submitters, no conflicts (2 of 4 stars). 2 submissions from 2 submitters: Likely pathogenic (2). Last evaluated 2024-09-09.

Conditions:
ALG12-congenital disorder of glycosylation (CDG1G). Also called: CDG Ig; ALG12-CDG; Congenital disorder of glycosylation, type Ig. Identifiers: Orphanet 79324, MedGen C2931001, MONDO:0011783, OMIM 607143.

Allele frequency attached by ClinVar (database versions not stated): ExAC 0.00001; gnomAD 0.00001; TOPMed 0.00001; gnomAD exomes 0.00002 and 0.00004.

Submissions (2):

GeneDx
Classification: Likely pathogenic. Last evaluated: 2024-09-09. Review status: criteria provided, single submitter. Criteria: GeneDx Variant Classification Process June 2021. Collection method: clinical testing. Allele origin: germline. Affected: yes.
Comment: Frameshift variant predicted to result in abnormal protein length as the last 73 amino acid(s) are replaced with 267 different amino acid(s); Not observed at significant frequency in large population cohorts (gnomAD); Identified with a second variant on opposite allele (in trans) in a patient with clinical features of an ALG12-related congenital disorder of glycosylation in published literature (PMID: 36064943); This variant is associated with the following publications: (PMID: 36064943)

Labcorp Genetics (formerly Invitae), Labcorp
Classification: Likely pathogenic for ALG12-congenital disorder of glycosylation. Last evaluated: 2024-01-23. Review status: criteria provided, single submitter. Criteria: Invitae Variant Classification Sherloc (09022015). Collection method: clinical testing. Allele origin: germline.
Comment: This sequence change results in a frameshift in the ALG12 gene (p.Lys416Glufs*268). While this is not anticipated to result in nonsense mediated decay, it is expected to disrupt the last 73 amino acid(s) of the ALG12 protein and extend the protein by 194 additional amino acid residues. This variant is present in population databases (rs746988876, gnomAD 0.005%). This frameshift has been observed in individual(s) with clinical features of congenital disorders of glycosylation (Invitae). ClinVar contains an entry for this variant (Variation ID: 967488). In summary, the currently available evidence indicates that the variant is pathogenic, but additional data are needed to prove that conclusively. Therefore, this variant has been classified as Likely Pathogenic.

NM_024105.4(ALG12):c.1246_1247del (p.Lys416fs)

Gene: ALG12 (ALG12 alpha-1,6-mannosyltransferase; minus strand). Cytogenetic location: 22q13.33.
Variant type: Deletion.
Coding change: c.1246_1247del on transcript NM_024105.4 (MANE Select); coding-DNA positions 1246 to 1247, 2 bases deleted (AA; older notation c.1246_1247delAA).
Protein change: p.Lys416fs; shifts the reading frame from lysine 416.
Molecular consequence: frameshift variant.
Genome position (GRCh38, 1-based): chr22:49,904,058-49,904,059, TT deleted on the plus strand (AA on the coding strand, the reverse complement: ALG12 is on the minus strand). VCF-style (leftmost placement, unchanged base first): chr22-49904057-CTT-C. GRCh37 (hg19) VCF-style: chr22-50297705-CTT-C.
Other names: short protein forms K416fs.
Identifiers: ClinVar variation 967488 (VCV000967488.8), dbSNP rs746988876, ClinGen allele CA10300261.